The following is an entry in ClinVar:

NM_024513.4(FYCO1):c.4280C>T (p.Ser1427Phe)

Gene: FYCO1 (FYVE and coiled-coil domain autophagy adaptor 1; minus strand). Cytogenetic location: 3p21.31.
Variant type: single nucleotide variant.
Coding change: c.4280C>T on transcript NM_024513.4 (MANE Select); coding-DNA position 4280, C replaced by T.
Protein change: p.Ser1427Phe; replaces serine 1427 with phenylalanine.
Molecular consequence: missense variant. On other transcripts: non-coding transcript variant (1), intron variant (1).
Genome position (GRCh38, 1-based): chr3:45,923,737, G>A on the plus strand (C>T on the coding strand, the complement: FYCO1 is on the minus strand). VCF-style: chr3-45923737-G-A. GRCh37 (hg19) VCF-style: chr3-45965229-G-A.
Other names: c.4280C>T, p.Ser1427Phe (NM_001386421.1, NM_001386422.1, NM_001386425.1); c.4277C>T, p.Ser1426Phe (NM_001386423.1); c.4160C>T, p.Ser1387Phe (NM_001386426.1); c.4136C>T, p.Ser1379Phe (NM_001386427.1); c.3680C>T, p.Ser1227Phe (NM_001386430.1); c.4252-4672C>T (NM_001386429.1); short protein forms S1379F, S1427F, S1227F, S1387F, S1426F.
Identifiers: ClinVar variation 1502035 (VCV001502035.8), dbSNP rs2125787935, ClinGen allele CA352438437.
Genomic context (GRCh38, chr3:45,923,737, plus strand): 5'-ATGAGCATGTAGATGCCGGGTGTGCGAACCTTGAGCTGGCCCTGGATGTTCTCCTTGTGG[G>A]AGTTGCATCGGGTCGTGGGAATGAGGACCTGGGAGGGAAAGCAGGTAGGCAAAAACATCA-3'
Protein context (NP_078789.2, residues 1417-1437): KVLIPTTRCN[Ser1427Phe]HKENIQGQLK

ClinVar aggregate classification (germline): Uncertain significance (1 of 4 stars; one submission).

Conditions:
Cataract 18 (CATC2). Also called: CATARACT 18, AUTOSOMAL RECESSIVE. Identifiers: Orphanet 91492, Orphanet 98991, Orphanet 98992, Orphanet 98995, MedGen C1864908, MONDO:0012395, OMIM 610019.

Submission:

Labcorp Genetics (formerly Invitae), Labcorp
Classification: Uncertain significance for Cataract 18. Last evaluated: 2021-04-16. Review status: criteria provided, single submitter. Criteria: Invitae Variant Classification Sherloc (09022015). Collection method: clinical testing. Allele origin: germline.
Comment: This variant has been observed in individual(s) with congenital cataracts (Invitae). In at least one individual the data is consistent with the variant being in trans (on the opposite chromosome) from a pathogenic variant. This variant is not present in population databases (ExAC no frequency). This sequence change replaces serine with phenylalanine at codon 1427 of the FYCO1 protein (p.Ser1427Phe). The serine residue is moderately conserved and there is a large physicochemical difference between serine and phenylalanine. In summary, the available evidence is currently insufficient to determine the role of this variant in disease. Therefore, it has been classified as a Variant of Uncertain Significance. Algorithms developed to predict the effect of missense changes on protein structure and function are either unavailable or do not agree on the potential impact of this missense change (SIFT: "Deleterious"; PolyPhen-2: "Probably Damaging"; Align-GVGD: "Class C15").